The following is an entry in ClinVar:

ClinVar aggregate classification (germline): Uncertain significance (1 of 4 stars; one submission).

Conditions:
Hereditary cancer-predisposing syndrome. Also called: Neoplastic Syndromes, Hereditary; Hereditary Cancer Syndrome; Hereditary neoplastic syndrome; Tumor predisposition. Identifiers: Orphanet 140162, MedGen C0027672, MeSH D009386, MONDO:0015356.

Submission:

Ambry Genetics
Classification: Uncertain significance for Hereditary cancer-predisposing syndrome. Last evaluated: 2026-04-12. Review status: criteria provided, single submitter. Criteria: Ambry Variant Classification Scheme 2023. Collection method: clinical testing. Allele origin: germline.
Comment: The p.A124P variant (also known as c.370G>C), located in coding exon 2 of the FLCN gene, results from a G to C substitution at nucleotide position 370. The alanine at codon 124 is replaced by proline, an amino acid with highly similar properties. This amino acid position is conserved. In addition, this alteration is predicted to be deleterious by in silico analysis. Based on the available evidence, the clinical significance of this variant remains unclear.

NM_144997.7(FLCN):c.370G>C (p.Ala124Pro)

Gene: FLCN (folliculin; minus strand). Cytogenetic location: 17p11.2.
Variant type: single nucleotide variant.
Coding change: c.370G>C on transcript NM_144997.7 (MANE Select); coding-DNA position 370, G replaced by C.
Protein change: p.Ala124Pro; replaces alanine 124 with proline.
Molecular consequence: missense variant.
Genome position (GRCh38, 1-based): chr17:17,226,202, C>G on the plus strand (G>C on the coding strand, the complement: FLCN is on the minus strand). VCF-style: chr17-17226202-C-G. GRCh37 (hg19) VCF-style: chr17-17129516-C-G.
Other names: c.370G>C, p.Ala124Pro (NM_001353229.2, NM_001353230.2, NM_001353231.2 and 1 more transcripts); short protein forms A124P.
Identifiers: ClinVar variation 4871381 (VCV004871381.1).